The following is an entry in ClinVar:

ClinVar aggregate classification (germline): Uncertain significance (1 of 4 stars; one submission).

Submission:

GeneDx
Classification: Uncertain significance. Last evaluated: 2024-09-13. Review status: criteria provided, single submitter. Criteria: GeneDx Variant Classification Process June 2021. Collection method: clinical testing. Allele origin: germline. Affected: yes.
Comment: Not observed at significant frequency in large population cohorts (gnomAD); In silico analysis supports that this missense variant has a deleterious effect on protein structure/function; Has not been previously published as pathogenic or benign to our knowledge; This variant is associated with the following publications: (PMID: 18409179)

NM_000489.6(ATRX):c.650A>T (p.Asp217Val)

Gene: ATRX (ATRX chromatin remodeler; minus strand). Cytogenetic location: Xq21.1.
Variant type: single nucleotide variant.
Coding change: c.650A>T on transcript NM_000489.6 (MANE Select); coding-DNA position 650, A replaced by T.
Protein change: p.Asp217Val; replaces aspartic acid 217 with valine.
Molecular consequence: missense variant.
Genome position (GRCh38, 1-based): chrX:77,684,951, T>A on the plus strand (A>T on the coding strand, the complement: ATRX is on the minus strand). VCF-style: chrX-77684951-T-A. GRCh37 (hg19) VCF-style: chrX-76940443-T-A.
Other names: c.536A>T, p.Asp179Val (NM_138270.5); short protein forms D179V, D217V.
Identifiers: ClinVar variation 3769720 (VCV003769720.1).